The following is an entry in ClinVar:

NM_002206.3(ITGA7):c.2004-215G>C

Gene: ITGA7 (integrin subunit alpha 7; minus strand). Cytogenetic location: 12q13.2.
Variant type: single nucleotide variant.
Coding change: c.2004-215G>C on transcript NM_002206.3 (MANE Select); 215 bases into the intron before coding-DNA position 2004, G replaced by C.
Molecular consequence: intron variant.
Genome position (GRCh38, 1-based): chr12:55,695,185, C>G on the plus strand (G>C on the coding strand, the complement: ITGA7 is on the minus strand). VCF-style: chr12-55695185-C-G. GRCh37 (hg19) VCF-style: chr12-56088969-C-G.
Other names: c.1725-215G>C (NM_001144997.2); c.1677-215G>C (NM_001367993.1); c.1665-215G>C (NM_001414035.1); c.1821-215G>C (NM_001414033.1); c.660-215G>C (NM_001367994.1); c.1884-215G>C (NM_001414032.1); c.1917-215G>C (NM_001414031.1); c.1986-215G>C (NM_001374465.1); and 5 more.
Identifiers: ClinVar variation 682023 (VCV000682023.2), dbSNP rs12304445, ClinGen allele CA13590057.

ClinVar aggregate classification (germline): Benign. Review status: criteria provided, multiple submitters, no conflicts (2 of 4 stars). 2 submissions from 2 submitters: Benign (2). Last evaluated 2018-06-14.

Allele frequency attached by ClinVar (database versions not stated): TOPMed 0.47284; gnomAD 0.47312 and 0.48880; gnomAD exomes 0.56591; 1000 Genomes Project 30x 0.57573; 1000 Genomes Project 0.58886.
gnomAD v4.1: 330,200 of 605,508 alleles (55%); highest among the groups gnomAD compares: East Asian, 93%; 96,150 homozygotes.

Submissions (2):

GeneDx
Classification: Benign. Last evaluated: 2018-06-14. Review status: criteria provided, single submitter. Criteria: GeneDx Variant Classification (06012015). Collection method: clinical testing. Allele origin: germline. Affected: yes.
Comment: This variant is considered likely benign or benign based on one or more of the following criteria: it is a conservative change, it occurs at a poorly conserved position in the protein, it is predicted to be benign by multiple in silico algorithms, and/or has population frequency not consistent with disease.

Breakthrough Genomics
Classification: Benign. Review status: criteria provided, single submitter. Criteria: ACMG Guidelines, 2015. Collection method: not provided. Allele origin: germline. Inheritance: Autosomal recessive inheritance. Affected: yes.